The following is an entry in ClinVar:

ClinVar aggregate classification (germline): Uncertain significance (1 of 4 stars; one submission).

Allele frequency attached by ClinVar (database versions not stated): ExAC 0.00001; gnomAD exomes 0.00001 and 0.00004; TOPMed 0.00001; gnomAD 0.00002.
gnomAD v4.1: 61 of 1,613,590 alleles (0.0038%); highest among the groups gnomAD compares: Non-Finnish European, 0.0051%; no homozygotes.

Submission:

Labcorp Genetics (formerly Invitae), Labcorp
Classification: Uncertain significance. Last evaluated: 2021-02-24. Review status: criteria provided, single submitter. Criteria: Invitae Variant Classification Sherloc (09022015). Collection method: clinical testing. Allele origin: germline.
Comment: This variant has not been reported in the literature in individuals with RAB3GAP1-related conditions. This variant is present in population databases (rs775603554, ExAC 0.01%). This sequence change replaces asparagine with lysine at codon 382 of the RAB3GAP1 protein (p.Asn382Lys). The asparagine residue is moderately conserved and there is a moderate physicochemical difference between asparagine and lysine. Algorithms developed to predict the effect of missense changes on protein structure and function (SIFT, PolyPhen-2, Align-GVGD) all suggest that this variant is likely to be tolerated, but these predictions have not been confirmed by published functional studies and their clinical significance is uncertain. In summary, the available evidence is currently insufficient to determine the role of this variant in disease. Therefore, it has been classified as a Variant of Uncertain Significance.

NM_012233.3(RAB3GAP1):c.1146T>G (p.Asn382Lys)

Gene: RAB3GAP1 (RAB3 GTPase activating protein catalytic subunit 1; plus strand). Cytogenetic location: 2q21.3.
Variant type: single nucleotide variant.
Coding change: c.1146T>G on transcript NM_012233.3 (MANE Select); coding-DNA position 1146, T replaced by G.
Protein change: p.Asn382Lys; replaces asparagine 382 with lysine.
Molecular consequence: missense variant.
Genome position (GRCh38, 1-based): chr2:135,130,631, T>G. VCF-style: chr2-135130631-T-G. GRCh37 (hg19) VCF-style: chr2-135888201-T-G.
Other names: c.1146T>G, p.Asn382Lys (NM_001172435.2); short protein forms N382K.
Identifiers: ClinVar variation 1403424 (VCV001403424.8), dbSNP rs775603554, ClinGen allele CA1884765.